The following is an entry in ClinVar:

ClinVar aggregate classification (germline): Uncertain significance. Review status: criteria provided, multiple submitters, no conflicts (2 of 4 stars). 2 submissions from 2 submitters: Uncertain significance (2). Last evaluated 2025-02-26.

Conditions:
Charcot-Marie-Tooth disease axonal type 2C (HMSN2C). Also called: CHARCOT-MARIE-TOOTH DISEASE, AXONAL, AUTOSOMAL DOMINANT, TYPE 2C; Charcot-Marie-Tooth Neuropathy Type 2C; Charcot-Marie-Tooth Disease Type 2, TRPV4-Related (CMT2C). Identifiers: Orphanet 99937, MedGen C1853710, MONDO:0011633, OMIM 606071.

Allele frequency attached by ClinVar (database versions not stated): gnomAD 0.00001; TOPMed 0.00002; ESP Exome Variant Server 0.00008.
gnomAD v4.1: 3 of 1,614,024 alleles (0.00019%); highest among the groups gnomAD compares: African/African-American, 0.004%; no homozygotes.

Submissions (2):

Labcorp Genetics (formerly Invitae), Labcorp
Classification: Uncertain significance for Charcot-Marie-Tooth disease axonal type 2C. Last evaluated: 2025-02-26. Review status: criteria provided, single submitter. Criteria: Invitae Variant Classification Sherloc (09022015). Collection method: clinical testing. Allele origin: germline.
Comment: This sequence change creates a premature translational stop signal (p.Ser106*) in the TRPV4 gene. It is expected to result in an absent or disrupted protein product. However, the current clinical and genetic evidence is not sufficient to establish whether loss-of-function variants in TRPV4 cause disease. This variant is not present in population databases (gnomAD no frequency). This variant has not been reported in the literature in individuals affected with TRPV4-related conditions. ClinVar contains an entry for this variant (Variation ID: 2437347). In summary, the available evidence is currently insufficient to determine the role of this variant in disease. Therefore, it has been classified as a Variant of Uncertain Significance.

Revvity Omics, Revvity
Classification: Uncertain significance. Last evaluated: 2021-10-04. Review status: criteria provided, single submitter. Criteria: ACMG Guidelines, 2015. Collection method: clinical testing. Allele origin: germline.

NM_021625.5(TRPV4):c.317C>A (p.Ser106Ter)

Gene: TRPV4 (transient receptor potential cation channel subfamily V member 4; minus strand). Cytogenetic location: 12q24.11.
Variant type: single nucleotide variant.
Coding change: c.317C>A on transcript NM_021625.5 (MANE Select); coding-DNA position 317, C replaced by A.
Protein change: p.Ser106Ter; replaces serine 106 with a stop codon.
Molecular consequence: nonsense.
Genome position (GRCh38, 1-based): chr12:109,814,480, G>T on the plus strand (C>A on the coding strand, the complement: TRPV4 is on the minus strand). VCF-style: chr12-109814480-G-T. GRCh37 (hg19) VCF-style: chr12-110252285-G-T.
Other names: c.317C>A, p.Ser106Ter (NM_001177428.2, NM_001177433.2, NM_147204.3); c.215C>A, p.Ser72Ter (NM_001177431.2); short protein forms S106*, S72*.
Identifiers: ClinVar variation 2437347 (VCV002437347.5), dbSNP rs141863643, ClinGen allele CA243478753.